The following is an entry in ClinVar:

NM_000520.6(HEXA):c.862G>T (p.Gly288Ter)

Gene: HEXA (hexosaminidase subunit alpha; minus strand). Cytogenetic location: 15q23.
Variant type: single nucleotide variant.
Coding change: c.862G>T on transcript NM_000520.6 (MANE Select); coding-DNA position 862, G replaced by T.
Protein change: p.Gly288Ter; replaces glycine 288 with a stop codon.
Molecular consequence: nonsense. On other transcripts: non-coding transcript variant (1).
Genome position (GRCh38, 1-based): chr15:72,349,203, C>A on the plus strand (G>T on the coding strand, the complement: HEXA is on the minus strand). VCF-style: chr15-72349203-C-A. GRCh37 (hg19) VCF-style: chr15-72641544-C-A.
Other names: c.895G>T, p.Gly299Ter (NM_001318825.2); short protein forms G288*, G299*.
Identifiers: ClinVar variation 4069175 (VCV004069175.2).
Genomic context (GRCh38, chr15:72,349,203, plus strand): 5'-CTTCTAAGAAGAATGTGCTCATGAACTCATAGGTATTATTGAGACTGGGATTCACTGGTC[C>A]AAAGGTGCCAGAGGGCTCAGACCCAGAGTAGCAAGGAGTCAGTAATCCAGGGATACCTAA-3'

ClinVar aggregate classification (germline): Likely pathogenic (1 of 4 stars; one submission).

Conditions:
Tay-Sachs disease (TSD). Also called: HEXA DEFICIENCY; GM2 gangliosidosis, type 1; Hexosaminidase alpha-subunit deficiency (variant B); Sphingolipidosis, Tay-Sachs; HEXA Disorders; Hexosaminidase A Deficiency. Identifiers: Orphanet 845, MedGen C0039373, MONDO:0010100, OMIM 272800.

Submission:

Natera, Inc.
Classification: Likely pathogenic for Tay-Sachs disease. Last evaluated: 2025-02-25. Review status: criteria provided, single submitter. Criteria: Natera Variant Classification Schema (03/2026). Collection method: clinical testing. Allele origin: germline.
Comment: The c.862G>T variant in HEXA is a nonsense variant predicted to introduce a stop codon at amino acid 288. This variant is expected to result in nonsense mediated decay, truncation, or a dysfunctional protein product. This variant is rare in the general population with a frequency below the threshold expected for the associated phenotype(s). Given the available evidence, this variant is classified as Likely Pathogenic.